The following is an entry in ClinVar:

ClinVar aggregate classification (germline): Uncertain significance (1 of 4 stars; one submission).

Conditions:
Joubert syndrome 21 (JBTS21). Identifiers: MedGen C3810212, MONDO:0014288, OMIM 615636.

Allele frequency attached by ClinVar (database versions not stated): gnomAD exomes 0.00001; gnomAD 0.00001; ExAC 0.00001; ESP Exome Variant Server 0.00008.
gnomAD v4.1: 13 of 1,614,014 alleles (0.00081%); highest among the groups gnomAD compares: Admixed American, 0.0017%; no homozygotes.

Submission:

Labcorp Genetics (formerly Invitae), Labcorp
Classification: Uncertain significance for Joubert syndrome 21. Last evaluated: 2025-04-28. Review status: criteria provided, single submitter. Criteria: Invitae Variant Classification Sherloc (09022015). Collection method: clinical testing. Allele origin: germline.
Comment: This sequence change replaces tryptophan, which is neutral and slightly polar, with serine, which is neutral and polar, at codon 1213 of the CSPP1 protein (p.Trp1213Ser). This variant is present in population databases (rs377160929, gnomAD 0.002%). This variant has not been reported in the literature in individuals affected with CSPP1-related conditions. ClinVar contains an entry for this variant (Variation ID: 1004627). An algorithm developed to predict the effect of missense changes on protein structure and function (PolyPhen-2) suggests that this variant is likely to be disruptive. In summary, the available evidence is currently insufficient to determine the role of this variant in disease. Therefore, it has been classified as a Variant of Uncertain Significance.

NM_001382391.1(CSPP1):c.3653G>C (p.Trp1218Ser)

Genes: ARFGEF1 (ARF guanine nucleotide exchange factor 1; minus strand), CSPP1 (centrosome and spindle pole associated protein 1; plus strand). Cytogenetic location: 8q13.2.
Variant type: single nucleotide variant.
Coding change: c.3653G>C on transcript NM_001382391.1 (MANE Select); coding-DNA position 3653, G replaced by C.
Protein change: p.Trp1218Ser; replaces tryptophan 1218 with serine.
Molecular consequence: missense variant. On other transcripts: 3 prime UTR variant (1), intron variant (2).
Genome position (GRCh38, 1-based): chr8:67,195,565, G>C. VCF-style: chr8-67195565-G-C. GRCh37 (hg19) VCF-style: chr8-68107800-G-C.
Other names: c.2603G>C, p.Trp868Ser (NM_001291339.2); c.3572G>C, p.Trp1191Ser (NM_001363131.2); c.3458G>C, p.Trp1153Ser (NM_001363132.2); c.3377G>C, p.Trp1126Ser (NM_001363133.2); c.3719G>C, p.Trp1240Ser (NM_001364869.1); c.3539G>C, p.Trp1180Ser (NM_001364870.1); c.3485G>C, p.Trp1162Ser (NM_001438330.1); c.*145G>C (NM_001438331.1); and 4 more; short protein forms W1126S, W1153S, W1180S, W1191S, W1213S, W1218S, W1240S, W868S.
Identifiers: ClinVar variation 1004627 (VCV001004627.6), dbSNP rs377160929, ClinGen allele CA4771235.